The following is an entry in ClinVar:

NM_000440.3(PDE6A):c.120G>C (p.Lys40Asn)

Gene: PDE6A (phosphodiesterase 6A; minus strand). Cytogenetic location: 5q32.
Variant type: single nucleotide variant.
Coding change: c.120G>C on transcript NM_000440.3 (MANE Select); coding-DNA position 120, G replaced by C.
Protein change: p.Lys40Asn; replaces lysine 40 with asparagine.
Molecular consequence: missense variant.
Genome position (GRCh38, 1-based): chr5:149,944,554, C>G on the plus strand (G>C on the coding strand, the complement: PDE6A is on the minus strand). VCF-style: chr5-149944554-C-G. GRCh37 (hg19) VCF-style: chr5-149324117-C-G.
Other names: short protein forms K40N.
Identifiers: ClinVar variation 1037941 (VCV001037941.8), dbSNP rs1754415399, ClinGen allele CA361701320.

ClinVar aggregate classification (germline): Uncertain significance (1 of 4 stars; one submission).

Submission:

Labcorp Genetics (formerly Invitae), Labcorp
Classification: Uncertain significance. Last evaluated: 2022-07-05. Review status: criteria provided, single submitter. Criteria: Invitae Variant Classification Sherloc (09022015). Collection method: clinical testing. Allele origin: germline.
Comment: This sequence change replaces lysine, which is basic and polar, with asparagine, which is neutral and polar, at codon 40 of the PDE6A protein (p.Lys40Asn). This variant is not present in population databases (gnomAD no frequency). This variant has not been reported in the literature in individuals affected with PDE6A-related conditions. ClinVar contains an entry for this variant (Variation ID: 1037941). Algorithms developed to predict the effect of missense changes on protein structure and function are either unavailable or do not agree on the potential impact of this missense change (SIFT: "Deleterious"; PolyPhen-2: "Benign"; Align-GVGD: "Class C0"). In summary, the available evidence is currently insufficient to determine the role of this variant in disease. Therefore, it has been classified as a Variant of Uncertain Significance.